The following is an entry in ClinVar:

NM_004465.2(FGF10):c.127G>A (p.Asp43Asn)

Gene: FGF10 (fibroblast growth factor 10; minus strand). Cytogenetic location: 5p12.
Variant type: single nucleotide variant.
Coding change: c.127G>A on transcript NM_004465.2 (MANE Select); coding-DNA position 127, G replaced by A.
Protein change: p.Asp43Asn; replaces aspartic acid 43 with asparagine.
Molecular consequence: missense variant.
Genome position (GRCh38, 1-based): chr5:44,388,556, C>T on the plus strand (G>A on the coding strand, the complement: FGF10 is on the minus strand). VCF-style: chr5-44388556-C-T. GRCh37 (hg19) VCF-style: chr5-44388658-C-T.
Other names: short protein forms D43N.
Identifiers: ClinVar variation 4801692 (VCV004801692.1).

ClinVar aggregate classification (germline): Uncertain significance (1 of 4 stars; one submission).

Submission:

Labcorp Genetics (formerly Invitae), Labcorp
Classification: Uncertain significance. Last evaluated: 2025-09-24. Review status: criteria provided, single submitter. Criteria: Invitae Variant Classification Sherloc (09022015). Collection method: clinical testing. Allele origin: germline.
Comment: This sequence change replaces aspartic acid, which is acidic and polar, with asparagine, which is neutral and polar, at codon 43 of the FGF10 protein (p.Asp43Asn). This variant is present in population databases (rs778802173, gnomAD 0.05%), including at least one homozygous and/or hemizygous individual. This variant has not been reported in the literature in individuals affected with FGF10-related conditions. An algorithm developed to predict the effect of missense changes on protein structure and function (PolyPhen-2) suggests that this variant is likely to be tolerated. In summary, the available evidence is currently insufficient to determine the role of this variant in disease. Therefore, it has been classified as a Variant of Uncertain Significance.